The following is an entry in ClinVar:

ClinVar aggregate classification (germline): Likely benign. Review status: criteria provided, multiple submitters, no conflicts (2 of 4 stars). 2 submissions from 2 submitters: Likely benign (2). Last evaluated 2018-01-13.

Conditions:
Disorders of Intracellular Cobalamin Metabolism. Identifiers: MedGen CN043592.

Allele frequency attached by ClinVar (database versions not stated): 1000 Genomes Project 0.00379; 1000 Genomes Project 30x 0.00406; gnomAD 0.00540 and 0.00586; gnomAD exomes 0.00081; TOPMed 0.00651.
gnomAD v4.1: 834 of 153,548 alleles (0.54%); highest among the groups gnomAD compares: Middle Eastern, 4.7%; 8 homozygotes.

Submissions (2):

Illumina Laboratory Services, Illumina
Classification: Likely benign for Disorders of Intracellular Cobalamin Metabolism. Last evaluated: 2018-01-13. Review status: criteria provided, single submitter. Criteria: ICSL Variant Classification Criteria 13 December 2019. Collection method: clinical testing. Allele origin: germline.
Comment: This variant was observed in the ICSL laboratory as part of a predisposition screen in an ostensibly healthy population. It had not been previously curated by ICSL or reported in the Human Gene Mutation Database (HGMD: prior to June 1st, 2018), and was therefore a candidate for classification through an automated scoring system. Utilizing variant allele frequency, disease prevalence and penetrance estimates, and inheritance mode, an automated score was calculated to assess if this variant is too frequent to cause the disease. Based on the score and internal cut-off values, a variant classified as likely benign is not then subjected to further curation. The score for this variant resulted in a classification of likely benign for this disease.

Breakthrough Genomics
Classification: Likely benign. Review status: criteria provided, single submitter. Criteria: ACMG Guidelines, 2015. Collection method: not provided. Allele origin: germline. Inheritance: Autosomal recessive inheritance. Affected: yes.

NM_000254.3(MTR):c.*2887C>G

Gene: MTR (5-methyltetrahydrofolate-homocysteine methyltransferase; plus strand). Cytogenetic location: 1q43.
Variant type: single nucleotide variant.
Coding change: c.*2887C>G on transcript NM_000254.3 (MANE Select); 2887 bases downstream of the stop codon, C replaced by G.
Molecular consequence: 3 prime UTR variant.
Genome position (GRCh38, 1-based): chr1:236,900,531, C>G. VCF-style: chr1-236900531-C-G. GRCh37 (hg19) VCF-style: chr1-237063831-C-G.
Other names: c.*2887C>G (NM_001291939.1, NM_001291940.2).
Identifiers: ClinVar variation 296640 (VCV000296640.6), dbSNP rs141686413, ClinGen allele CA10610678.